The following is an entry in ClinVar:

NM_000532.5(PCCB):c.166G>T (p.Asp56Tyr)

Gene: PCCB (propionyl-CoA carboxylase subunit beta; plus strand). Cytogenetic location: 3q22.3.
Variant type: single nucleotide variant.
Coding change: c.166G>T on transcript NM_000532.5 (MANE Select); coding-DNA position 166, G replaced by T.
Protein change: p.Asp56Tyr; replaces aspartic acid 56 with tyrosine.
Molecular consequence: missense variant.
Genome position (GRCh38, 1-based): chr3:136,250,541, G>T. VCF-style: chr3-136250541-G-T. GRCh37 (hg19) VCF-style: chr3-135969383-G-T.
Other names: c.166G>T, p.Asp56Tyr (NM_001178014.2); short protein forms D56Y.
Identifiers: ClinVar variation 1965176 (VCV001965176.5), dbSNP rs1941484536, ClinGen allele CA354738114.

ClinVar aggregate classification (germline): Uncertain significance (1 of 4 stars; one submission).

Conditions:
Propionic acidemia (PROP). Also called: GLYCINEMIA, KETOTIC; HYPERGLYCINEMIA WITH KETOACIDOSIS AND LEUKOPENIA; KETOTIC HYPERGLYCINEMIA. Identifiers: Orphanet 35, MedGen C0268579, MONDO:0011628, OMIM 606054, HP:0003571.

Allele frequency attached by ClinVar (database versions not stated): TOPMed below 0.00001.
gnomAD v4.1: 3 of 1,612,586 alleles (0.00019%); highest among the groups gnomAD compares: Non-Finnish European, 0.00025%; no homozygotes.

Submission:

Labcorp Genetics (formerly Invitae), Labcorp
Classification: Uncertain significance for Propionic acidemia. Last evaluated: 2022-06-14. Review status: criteria provided, single submitter. Criteria: Invitae Variant Classification Sherloc (09022015). Collection method: clinical testing. Allele origin: germline.
Comment: Algorithms developed to predict the effect of missense changes on protein structure and function (SIFT, PolyPhen-2, Align-GVGD) all suggest that this variant is likely to be disruptive. This variant has not been reported in the literature in individuals affected with PCCB-related conditions. This variant is not present in population databases (gnomAD no frequency). This sequence change replaces aspartic acid, which is acidic and polar, with tyrosine, which is neutral and polar, at codon 56 of the PCCB protein (p.Asp56Tyr). In summary, the available evidence is currently insufficient to determine the role of this variant in disease. Therefore, it has been classified as a Variant of Uncertain Significance.